The following is an entry in ClinVar:

NM_020975.6(RET):c.920C>T (p.Ser307Leu)

Gene: RET (ret proto-oncogene; plus strand). Cytogenetic location: 10q11.21.
Variant type: single nucleotide variant.
Coding change: c.920C>T on transcript NM_020975.6 (MANE Select); coding-DNA position 920, C replaced by T.
Protein change: p.Ser307Leu; replaces serine 307 with leucine.
Molecular consequence: missense variant.
Genome position (GRCh38, 1-based): chr10:43,106,428, C>T. VCF-style: chr10-43106428-C-T. GRCh37 (hg19) VCF-style: chr10-43601876-C-T.
Other names: c.920C>T, p.Ser307Leu (NM_000323.2, NM_001406743.1, NM_001406744.1 and 6 more transcripts); c.158C>T, p.Ser53Leu (NM_001355216.2); c.791C>T, p.Ser264Leu (NM_001406761.1, NM_001406762.1, NM_001406764.1 and 1 more transcripts); c.632C>T, p.Ser211Leu (NM_001406766.1, NM_001406767.1, NM_001406770.1); short protein forms S307L, S53L, S264L, S211L.
Identifiers: ClinVar variation 486328 (VCV000486328.25), dbSNP rs1554817979, ClinGen allele CA376545901.

ClinVar aggregate classification (germline): Uncertain significance. Review status: criteria provided, multiple submitters, no conflicts (2 of 4 stars). 7 submissions from 7 submitters: Uncertain significance (7). Last evaluated 2025-12-11.

Conditions:
Multiple endocrine neoplasia, type 2 (MEN2). Identifiers: Orphanet 653, MedGen C4048306, MONDO:0019003. Disease mechanism: gain of function.
Familial medullary thyroid carcinoma (MTC). Also called: Familial Medullary Thyroid Carcinoma (FMTC); Thyroid cancer, familial medullary; MTC, familial. Identifiers: Orphanet 653, Orphanet 99361, MedGen C1833921, MONDO:0007958, OMIM 155240.
Pheochromocytoma. Also called: MAX-Related Hereditary Paraganglioma-Pheochromocytoma Syndrome. Identifiers: Orphanet 29072, MedGen C0031511, MONDO:0008233, OMIM 171300, HP:0002666.
Multiple endocrine neoplasia type 2A. Also called: Multiple Endocrine Neoplasia Type 2A (MEN2A); MULTIPLE ENDOCRINE NEOPLASIA, TYPE IIA; PTC SYNDROME; SIPPLE SYNDROME; MEN 2A; MEN-2A syndrome. Identifiers: Orphanet 247698, Orphanet 653, MedGen C0025268, MeSH D018813, MONDO:0008234, OMIM 171400.
Hirschsprung disease, susceptibility to, 1 (HSCR1). Also called: RET-Related Hirschsprung Disease. Identifiers: Orphanet 388, MedGen C3888239, MONDO:0007723, OMIM 142623.
Multiple endocrine neoplasia type 2B. Also called: WAGENMANN-FROBOESE SYNDROME; MULTIPLE ENDOCRINE NEOPLASIA, TYPE III; MUCOSAL NEUROMA SYNDROME; Multiple Endocrine Neoplasia Type 2B (MEN2B); Multiple endocrine neoplasia, type 3; MULTIPLE ENDOCRINE NEOPLASIA, TYPE IIB. Identifiers: Orphanet 247709, Orphanet 653, MedGen C0025269, MeSH D018814, MONDO:0008082, OMIM 162300.
Hereditary cancer-predisposing syndrome. Also called: Hereditary Cancer Syndrome; Hereditary neoplastic syndrome; Tumor predisposition; Neoplastic Syndromes, Hereditary. Identifiers: Orphanet 140162, MedGen C0027672, MeSH D009386, MONDO:0015356.

Allele frequency attached by ClinVar (database versions not stated): gnomAD exomes below 0.00001; TOPMed 0.00001.
gnomAD v4.1: 1 of 1,613,504 alleles (0.000062%); highest among the groups gnomAD compares: Non-Finnish European, 0.000085%; no homozygotes.

Submissions (7):

Women's Health and Genetics/Laboratory Corporation of America, LabCorp
Classification: Uncertain significance. Last evaluated: 2025-12-11. Review status: criteria provided, single submitter. Criteria: LabCorp Variant Classification Summary - May 2015. Collection method: clinical testing. Allele origin: germline.
Comment: Variant summary: RET c.920C>T (p.Ser307Leu) results in a non-conservative amino acid change in the encoded protein sequence. Algorithms developed to predict the effect of missense changes on protein structure and function are either unavailable or do not agree on the potential impact of this missense change. The variant was absent in 249024 control chromosomes (gnomAD). The available data on variant occurrences in the general population are insufficient to allow any conclusion about variant significance. c.920C>T has been observed in one individual affected with Huntington disease (Jiang_2011). The report does not provide unequivocal conclusions about association of the variant with Huntington disease. To our knowledge, no experimental evidence demonstrating an impact on protein function has been reported. The following publication have been ascertained in the context of this evaluation (PMID: 21712996). ClinVar contains an entry for this variant (Variation ID: 486328). Based on the evidence outlined above, the variant was classified as uncertain significance.

Ambry Genetics
Classification: Uncertain significance for Hereditary cancer-predisposing syndrome. Last evaluated: 2025-11-07. Review status: criteria provided, single submitter. Criteria: Ambry Variant Classification Scheme 2023. Collection method: clinical testing. Allele origin: germline.
Comment: The p.S307L variant (also known as c.920C>T), located in coding exon 5 of the RET gene, results from a C to T substitution at nucleotide position 920. The serine at codon 307 is replaced by leucine, an amino acid with dissimilar properties. This alteration has been reported in a patient affected with Hirschsprung disease who was also identified to carry duplications in ZFHX1B and SOX2 (Jiang Q et al. PLoS One, 2011 Jun;6:e21219). This amino acid position is highly conserved in available vertebrate species. In addition, this alteration is predicted to be deleterious by in silico analysis. Since supporting evidence is limited at this time, the clinical significance of this alteration remains unclear.

Labcorp Genetics (formerly Invitae), Labcorp
Classification: Uncertain significance for Multiple endocrine neoplasia, type 2. Last evaluated: 2025-10-23. Review status: criteria provided, single submitter. Criteria: Invitae Variant Classification Sherloc (09022015). Collection method: clinical testing. Allele origin: germline.
Comment: This sequence change replaces serine, which is neutral and polar, with leucine, which is neutral and non-polar, at codon 307 of the RET protein (p.Ser307Leu). This variant is not present in population databases (gnomAD no frequency). This missense change has been observed in individual(s) with Hirschsprungdisease (PMID: 21712996). ClinVar contains an entry for this variant (Variation ID: 486328). An algorithm developed to predict the effect of missense changes on protein structure and function (PolyPhen-2) suggests that this variant is likely to be disruptive. In summary, the available evidence is currently insufficient to determine the role of this variant in disease. Therefore, it has been classified as a Variant of Uncertain Significance.

Fulgent Genetics
Classification: Uncertain significance for Hirschsprung disease, susceptibility to, 1; Familial medullary thyroid carcinoma; Multiple endocrine neoplasia type 2B; Pheochromocytoma; Multiple endocrine neoplasia type 2A. Last evaluated: 2024-05-03. Review status: criteria provided, single submitter. Criteria: ACMG Guidelines, 2015. Collection method: clinical testing. Allele origin: germline.

All of Us Research Program, National Institutes of Health
Classification: Uncertain significance for Multiple endocrine neoplasia, type 2. Last evaluated: 2024-03-24. Review status: criteria provided, single submitter. Criteria: ACMG Guidelines, 2015. Collection method: clinical testing. Allele origin: germline. Inheritance: Autosomal dominant inheritance. Observed: 3 variant alleles, 3 heterozygotes.
Comment: This missense variant replaces serine with leucine at codon 307 of the RET protein. Computational prediction suggests that this variant may not impact protein structure and function (internally defined REVEL score threshold <= 0.5, PMID: 27666373). To our knowledge, functional studies have not been reported for this variant. This variant has not been reported in individuals affected with hereditary cancer in the literature. This variant has not been identified in the general population by the Genome Aggregation Database (gnomAD). The available evidence is insufficient to determine the role of this variant in disease conclusively. Therefore, this variant is classified as a Variant of Uncertain Significance.

This study involves interpretation of variants in research participants for the purpose of population health screening. Participant phenotype was not available at the time of variant classification. Additional details can be found in publication PMID: 35346344, PMCID: PMC8962531

Color Diagnostics, LLC DBA Color Health
Classification: Uncertain significance for Multiple endocrine neoplasia, type 2. Last evaluated: 2024-03-01. Review status: criteria provided, single submitter. Criteria: ACMG Guidelines, 2015. Collection method: clinical testing. Allele origin: germline.
Comment: This missense variant replaces serine with leucine at codon 307 of the RET protein. Computational prediction suggests that this variant may not impact protein structure and function. To our knowledge, functional studies have not been reported for this variant. This variant has not been reported in individuals affected with hereditary cancer in the literature. This variant has not been identified in the general population by the Genome Aggregation Database (gnomAD). The available evidence is insufficient to determine the role of this variant in disease conclusively. Therefore, this variant is classified as a Variant of Uncertain Significance.

Baylor Genetics
Classification: Uncertain significance for Hirschsprung disease, susceptibility to, 1. Last evaluated: 2023-06-29. Review status: criteria provided, single submitter. Criteria: ACMG Guidelines, 2015. Collection method: clinical testing. Allele origin: unknown.

Literature cited by the submitters: PubMed 21712996 (cited by 3 submitters).